The following is an entry in ClinVar:

NM_001174150.2(ARL13B):c.1072C>G (p.Arg358Gly)

Gene: ARL13B (ARF like GTPase 13B; plus strand). Cytogenetic location: 3q11.2.
Variant type: single nucleotide variant.
Coding change: c.1072C>G on transcript NM_001174150.2 (MANE Select); coding-DNA position 1072, C replaced by G.
Protein change: p.Arg358Gly; replaces arginine 358 with glycine.
Molecular consequence: missense variant. On other transcripts: non-coding transcript variant (2).
Genome position (GRCh38, 1-based): chr3:94,049,453, C>G. VCF-style: chr3-94049453-C-G. GRCh37 (hg19) VCF-style: chr3-93768297-C-G.
Other names: c.763C>G, p.Arg255Gly (NM_001174151.2); c.1027C>G, p.Arg343Gly (NM_001321328.2); c.1072C>G, p.Arg358Gly (NM_001410782.1, NM_182896.3); c.751C>G, p.Arg251Gly (NM_144996.4); short protein forms R251G, R255G, R343G, R358G.
Identifiers: ClinVar variation 3361568 (VCV003361568.1).

ClinVar aggregate classification (germline): Uncertain significance (1 of 4 stars; one submission).

Submission:

GeneDx
Classification: Uncertain significance. Last evaluated: 2023-07-31. Review status: criteria provided, single submitter. Criteria: GeneDx Variant Classification Process June 2021. Collection method: clinical testing. Allele origin: germline. Affected: yes.
Comment: Not observed at significant frequency in large population cohorts (gnomAD); In silico analysis supports that this missense variant has a deleterious effect on protein structure/function; Has not been previously published as pathogenic or benign to our knowledge